The following is an entry in ClinVar:

ClinVar aggregate classification (germline): Likely benign (1 of 4 stars; one submission).

Conditions:
Hyaline fibromatosis syndrome (HFS). Also called: Hyalinosis, Inherited Systemic; HYALINOSIS, SYSTEMIC. Identifiers: Orphanet 2028, Orphanet 498474, MedGen C5574677, MONDO:0009229, OMIM 228600.

Allele frequency attached by ClinVar (database versions not stated): gnomAD 0.00256 and 0.00277; TOPMed 0.00291; 1000 Genomes Project 0.00339; 1000 Genomes Project 30x 0.00359.

Submission:

Illumina Laboratory Services, Illumina
Classification: Likely benign for Hyaline fibromatosis syndrome. Last evaluated: 2018-01-13. Review status: criteria provided, single submitter. Criteria: ICSL Variant Classification Criteria 13 December 2019. Collection method: clinical testing. Allele origin: germline.
Comment: This variant was observed in the ICSL laboratory as part of a predisposition screen in an ostensibly healthy population. It had not been previously curated by ICSL or reported in the Human Gene Mutation Database (HGMD: prior to June 1st, 2018), and was therefore a candidate for classification through an automated scoring system. Utilizing variant allele frequency, disease prevalence and penetrance estimates, and inheritance mode, an automated score was calculated to assess if this variant is too frequent to cause the disease. Based on the score and internal cut-off values, a variant classified as likely benign is not then subjected to further curation. The score for this variant resulted in a classification of likely benign for this disease.

NM_058172.6(ANTXR2):c.*5223G>T

Gene: ANTXR2 (ANTXR cell adhesion molecule 2; minus strand). Cytogenetic location: 4q21.21.
Variant type: single nucleotide variant.
Coding change: c.*5223G>T on transcript NM_058172.6 (MANE Select); 5223 bases downstream of the stop codon, G replaced by T.
Molecular consequence: 3 prime UTR variant.
Genome position (GRCh38, 1-based): chr4:79,902,206, C>A on the plus strand (G>T on the coding strand, the complement: ANTXR2 is on the minus strand). VCF-style: chr4-79902206-C-A. GRCh37 (hg19) VCF-style: chr4-80823360-C-A.
Other names: c.*5223G>T (NM_001286780.2, NM_001286781.2).
Identifiers: ClinVar variation 906921 (VCV000906921.4), dbSNP rs192983822, ClinGen allele CA100488127.